The following is an entry in ClinVar:

ClinVar aggregate classification (germline): Uncertain significance. Review status: criteria provided, multiple submitters, no conflicts (2 of 4 stars). 3 submissions from 3 submitters: Uncertain significance (3). Last evaluated 2025-09-22.

Conditions:
Autosomal dominant Alport syndrome (ATS3A). Also called: Alport syndrome dominant type; Renal failure and sensorineural hearing loss; ALPORT SYNDROME 3A, AUTOSOMAL DOMINANT. Identifiers: Orphanet 63, Orphanet 88918, MedGen C5882663, MONDO:0007086, OMIM 104200.
Hematuria, benign familial, 2 (BFH2). Identifiers: MedGen C5830421, MONDO:0958186, OMIM 620320.
Alport syndrome 3b, autosomal recessive. Identifiers: MedGen C5882699, MONDO:0957811, OMIM 620536.
Inborn genetic diseases. Identifiers: MedGen C0950123, MeSH D030342.

gnomAD v4.1: 12 of 1,614,054 alleles (0.00074%); highest among the groups gnomAD compares: African/African-American, 0.011%; no homozygotes.

Submissions (3):

Ambry Genetics
Classification: Uncertain significance for Inborn genetic diseases. Last evaluated: 2025-09-22. Review status: criteria provided, single submitter. Criteria: Ambry Variant Classification Scheme 2023. Collection method: clinical testing. Allele origin: germline.

GeneDx
Classification: Uncertain significance. Last evaluated: 2025-01-06. Review status: criteria provided, single submitter. Criteria: GeneDx Variant Classification Process June 2021. Collection method: clinical testing. Allele origin: germline. Affected: yes.
Comment: Not observed at significant frequency in large population cohorts (gnomAD); In silico analysis supports that this missense variant has a deleterious effect on protein structure/function; Has not been previously published as pathogenic or benign to our knowledge

Fulgent Genetics
Classification: Uncertain significance for Autosomal dominant Alport syndrome; Hematuria, benign familial, 2; Alport syndrome 3b, autosomal recessive. Last evaluated: 2024-02-19. Review status: criteria provided, single submitter. Criteria: ACMG Guidelines, 2015. Collection method: clinical testing. Allele origin: germline.

NM_000091.5(COL4A3):c.4700T>C (p.Ile1567Thr)

Genes: COL4A3 (collagen type IV alpha 3 chain; plus strand), MFF-DT (MFF divergent transcript; minus strand). Cytogenetic location: 2q36.3.
Variant type: single nucleotide variant.
Coding change: c.4700T>C on transcript NM_000091.5 (MANE Select); coding-DNA position 4700, T replaced by C.
Protein change: p.Ile1567Thr; replaces isoleucine 1567 with threonine.
Molecular consequence: missense variant.
Genome position (GRCh38, 1-based): chr2:227,309,263, T>C. VCF-style: chr2-227309263-T-C. GRCh37 (hg19) VCF-style: chr2-228173979-T-C.
Other names: short protein forms I1567T.
Identifiers: ClinVar variation 3586151 (VCV003586151.3).
Genomic context (GRCh38, chr2:227,309,263, plus strand): 5'-GATGCACTGTTTGTGAAGGTCCTGCGATCGCCATAGCCGTTCACAGCCAAACCACTGACA[T>C]TCCTCCATGTCCTCACGGCTGGATTTCTCTCTGGAAAGGATTTTCATTCATCATGGTGAG-3'
Protein context (NP_000082.2, residues 1557-1577): AIAVHSQTTD[Ile1567Thr]PPCPHGWISL